The following is an entry in ClinVar:

NM_000497.4(CYP11B1):c.800-1G>C

Genes: CYP11B1 (cytochrome P450 family 11 subfamily B member 1; minus strand), LOC106799833 (CYP11B1 recombination region; plus strand). Cytogenetic location: 8q24.3.
Variant type: single nucleotide variant.
Coding change: c.800-1G>C on transcript NM_000497.4 (MANE Select); the canonical splice acceptor site of the intron before coding-DNA position 800, G replaced by C.
Molecular consequence: splice acceptor variant.
Genome position (GRCh38, 1-based): chr8:142,876,396, C>G on the plus strand (G>C on the coding strand, the complement: CYP11B1 is on the minus strand). VCF-style: chr8-142876396-C-G. GRCh37 (hg19) VCF-style: chr8-143957812-C-G.
Other names: c.800-1G>C (NM_001026213.1).
Identifiers: ClinVar variation 2723966 (VCV002723966.3), dbSNP rs2488677619, ClinGen allele CA372395359.

ClinVar aggregate classification (germline): Likely pathogenic (1 of 4 stars; one submission).

Submission:

Labcorp Genetics (formerly Invitae), Labcorp
Classification: Likely pathogenic. Last evaluated: 2023-06-23. Review status: criteria provided, single submitter. Criteria: Invitae Variant Classification Sherloc (09022015). Collection method: clinical testing. Allele origin: germline.
Comment: This sequence change affects an acceptor splice site in intron 4 of the CYP11B1 gene. It is expected to disrupt RNA splicing. Variants that disrupt the donor or acceptor splice site typically lead to a loss of protein function (PMID: 16199547), and loss-of-function variants in CYP11B1 are known to be pathogenic (PMID: 8506298, 26476331). This variant is not present in population databases (gnomAD no frequency). This variant has not been reported in the literature in individuals affected with CYP11B1-related conditions. Algorithms developed to predict the effect of sequence changes on RNA splicing suggest that this variant may disrupt the consensus splice site. In summary, the currently available evidence indicates that the variant is pathogenic, but additional data are needed to prove that conclusively. Therefore, this variant has been classified as Likely Pathogenic.

Literature cited by the submitters: PubMed 16199547; PubMed 8506298; PubMed 26476331.